The following is an entry in ClinVar:

NM_000435.3(NOTCH3):c.6597G>A (p.Gly2199=)

Gene: NOTCH3 (notch receptor 3; minus strand). Cytogenetic location: 19p13.12.
Variant type: single nucleotide variant.
Coding change: c.6597G>A on transcript NM_000435.3 (MANE Select); coding-DNA position 6597, G replaced by A.
Protein change: p.Gly2199=; no amino-acid change (glycine 2199 retained).
Molecular consequence: synonymous variant.
Genome position (GRCh38, 1-based): chr19:15,161,031, C>T on the plus strand (G>A on the coding strand, the complement: NOTCH3 is on the minus strand). VCF-style: chr19-15161031-C-T. GRCh37 (hg19) VCF-style: chr19-15271842-C-T.
Identifiers: ClinVar variation 705782 (VCV000705782.8), dbSNP rs778851827, ClinGen allele CA9262348.
Genomic context (GRCh38, chr19:15,161,031, plus strand): 5'-CTCGCCATGTCCTGGGACTGCCAGGTAAGGCGGGGGCCGCTCCTGCGGGGAGACGGGGGT[C>T]CCTGGGTTGAGCAGCTGGGGTCCCGGCGCCAGTGGCAGCAGGAACGAGGGGCCTGGAGGG-3'
Protein context (NP_000426.2, residues 2189-2209): LAPGPQLLNP[Gly2199=]TPVSPQERPP

ClinVar aggregate classification (germline): Likely benign. Review status: criteria provided, multiple submitters, no conflicts (2 of 4 stars). 2 submissions from 2 submitters: Likely benign (2). Last evaluated 2026-07-01.

Allele frequency attached by ClinVar (database versions not stated): ExAC below 0.00001; gnomAD 0.00001; TOPMed 0.00002; gnomAD exomes 0.00003.
gnomAD v4.1: 22 of 1,538,880 alleles (0.0014%); highest among the groups gnomAD compares: South Asian, 0.0096%; no homozygotes.

Submissions (2):

CeGaT Center for Human Genetics Tuebingen
Classification: Likely benign. Last evaluated: 2026-07-01. Review status: criteria provided, single submitter. Criteria: CeGaT Center For Human Genetics Tuebingen Variant Classification Criteria Version 2. Collection method: clinical testing. Allele origin: germline. Affected: yes. Observed: 1 variant allele.
Comment: NOTCH3: BP4, BP7

Labcorp Genetics (formerly Invitae), Labcorp
Classification: Likely benign. Last evaluated: 2022-11-15. Review status: criteria provided, single submitter. Criteria: Invitae Variant Classification Sherloc (09022015). Collection method: clinical testing. Allele origin: germline.